The following is an entry in ClinVar:

ClinVar aggregate classification (germline): Likely benign. Review status: criteria provided, multiple submitters, no conflicts (2 of 4 stars). 4 submissions from 4 submitters: Likely benign (4). Last evaluated 2026-01-31.

Conditions:
Cardiovascular phenotype. Identifiers: MedGen CN230736.
Cardiomyopathy (CMYO). Also called: Cardiomyopathies. Identifiers: Orphanet 167848, MedGen C0878544, MONDO:0004994, HP:0001638. Inheritance: Various modes of inheritance.
Arrhythmogenic cardiomyopathy with wooly hair and keratoderma. Also called: Carvajal syndrome; Dilated cardiomyopathy with woolly hair and keratoderma; PALMOPLANTAR KERATODERMA WITH LEFT VENTRICULAR CARDIOMYOPATHY AND WOOLLY HAIR; Arrhythmogenic cardiomyopathy with woolly hair and keratoderma. Identifiers: Orphanet 65282, MedGen C1854063, MONDO:0011581, OMIM 605676.
Arrhythmogenic right ventricular dysplasia 8 (ARVD8). Also called: Arrhythmogenic Right Ventricular Dysplasia/Cardiomyopathy 8; ARRHYTHMOGENIC RIGHT VENTRICULAR DYSPLASIA, FAMILIAL, 8; ARRHYTHMOGENIC RIGHT VENTRICULAR CARDIOMYOPATHY 8. Identifiers: MedGen C1843896, MONDO:0011831, OMIM 607450.

Allele frequency attached by ClinVar (database versions not stated): ExAC 0.00001.
gnomAD v4.1: 3 of 1,614,108 alleles (0.00019%); highest among the groups gnomAD compares: Non-Finnish European, 0.00017%; no homozygotes.

Submissions (4):

Labcorp Genetics (formerly Invitae), Labcorp
Classification: Likely benign for Arrhythmogenic cardiomyopathy with wooly hair and keratoderma; Arrhythmogenic right ventricular dysplasia 8. Last evaluated: 2026-01-31. Review status: criteria provided, single submitter. Criteria: Invitae Variant Classification Sherloc (09022015). Collection method: clinical testing. Allele origin: germline.

Ambry Genetics
Classification: Likely benign for Cardiovascular phenotype. Last evaluated: 2025-07-06. Review status: criteria provided, single submitter. Criteria: Ambry Variant Classification Scheme 2023. Collection method: clinical testing. Allele origin: germline.

All of Us Research Program, National Institutes of Health
Classification: Likely benign for Arrhythmogenic cardiomyopathy with wooly hair and keratoderma. Last evaluated: 2024-05-30. Review status: criteria provided, single submitter. Criteria: ACMG Guidelines, 2015. Collection method: clinical testing. Allele origin: germline. Inheritance: Autosomal dominant inheritance. Observed: 1 variant allele, 1 heterozygote.
Comment: This study involves interpretation of variants in research participants for the purpose of population health screening. Participant phenotype was not available at the time of variant classification. Additional details can be found in publication PMID: 35346344, PMCID: PMC8962531

Color Diagnostics, LLC DBA Color Health
Classification: Likely benign for Cardiomyopathy. Last evaluated: 2022-09-13. Review status: criteria provided, single submitter. Criteria: ACMG Guidelines, 2015. Collection method: clinical testing. Allele origin: germline.

NM_004415.4(DSP):c.4791G>A (p.Glu1597=)

Gene: DSP (desmoplakin; plus strand). Cytogenetic location: 6p24.3.
Variant type: single nucleotide variant.
Coding change: c.4791G>A on transcript NM_004415.4 (MANE Select); coding-DNA position 4791, G replaced by A.
Protein change: p.Glu1597=; no amino-acid change (glutamic acid 1597 retained).
Molecular consequence: synonymous variant. On other transcripts: intron variant (2).
Genome position (GRCh38, 1-based): chr6:7,580,981, G>A. VCF-style: chr6-7580981-G-A. GRCh37 (hg19) VCF-style: chr6-7581214-G-A.
Other names: c.4050+741G>A (NM_001319034.2); c.3582+1209G>A (NM_001008844.3).
Identifiers: ClinVar variation 1972365 (VCV001972365.9), dbSNP rs760645983, ClinGen allele CA042893.